The following is an entry in ClinVar:

ClinVar aggregate classification (germline): Uncertain significance (1 of 4 stars; one submission).

Submission:

Ambry Genetics
Classification: Uncertain significance. Last evaluated: 2021-10-16. Review status: criteria provided, single submitter. Criteria: Ambry Variant Classification Scheme 2023. Collection method: clinical testing. Allele origin: germline.
Comment: The p.M197V variant (also known as c.589A>G), located in coding exon 7 of the RAD54L gene, results from an A to G substitution at nucleotide position 589. The methionine at codon 197 is replaced by valine, an amino acid with highly similar properties. This amino acid position is conserved. In addition, the in silico prediction for this alteration is inconclusive. Since supporting evidence is limited at this time, the clinical significance of this alteration remains unclear.

NM_003579.4(RAD54L):c.589A>G (p.Met197Val)

Gene: RAD54L (RAD54 like; plus strand). Cytogenetic location: 1p34.1.
Variant type: single nucleotide variant.
Coding change: c.589A>G on transcript NM_003579.4 (MANE Select); coding-DNA position 589, A replaced by G.
Protein change: p.Met197Val; replaces methionine 197 with valine.
Molecular consequence: missense variant.
Genome position (GRCh38, 1-based): chr1:46,260,838, A>G. VCF-style: chr1-46260838-A-G. GRCh37 (hg19) VCF-style: chr1-46726510-A-G.
Other names: c.589A>G, p.Met197Val (NM_001142548.2); c.49A>G, p.Met17Val (NM_001370766.1); short protein forms M197V, M17V.
Identifiers: ClinVar variation 1750351 (VCV001750351.2), dbSNP rs771599716, ClinGen allele CA340186327.